The following is an entry in ClinVar:

ClinVar aggregate classification (germline): Uncertain significance (1 of 4 stars; one submission).

Submission:

Labcorp Genetics (formerly Invitae), Labcorp
Classification: Uncertain significance. Last evaluated: 2023-11-04. Review status: criteria provided, single submitter. Criteria: Invitae Variant Classification Sherloc (09022015). Collection method: clinical testing. Allele origin: germline.
Comment: This sequence change replaces isoleucine, which is neutral and non-polar, with leucine, which is neutral and non-polar, at codon 1483 of the SCN3A protein (p.Ile1483Leu). This variant is not present in population databases (gnomAD no frequency). This variant has not been reported in the literature in individuals affected with SCN3A-related conditions. Advanced modeling of protein sequence and biophysical properties (such as structural, functional, and spatial information, amino acid conservation, physicochemical variation, residue mobility, and thermodynamic stability) has been performed at Invitae for this missense variant, however the output from this modeling did not meet the statistical confidence thresholds required to predict the impact of this variant on SCN3A protein function. In summary, the available evidence is currently insufficient to determine the role of this variant in disease. Therefore, it has been classified as a Variant of Uncertain Significance.

NM_006922.4(SCN3A):c.4447A>C (p.Ile1483Leu)

Gene: SCN3A (sodium voltage-gated channel alpha subunit 3; minus strand). Cytogenetic location: 2q24.3.
Variant type: single nucleotide variant.
Coding change: c.4447A>C on transcript NM_006922.4 (MANE Select); coding-DNA position 4447, A replaced by C.
Protein change: p.Ile1483Leu; replaces isoleucine 1483 with leucine.
Molecular consequence: missense variant.
Genome position (GRCh38, 1-based): chr2:165,094,463, T>G on the plus strand (A>C on the coding strand, the complement: SCN3A is on the minus strand). VCF-style: chr2-165094463-T-G. GRCh37 (hg19) VCF-style: chr2-165950973-T-G.
Other names: c.4300A>C, p.Ile1434Leu (NM_001081676.2, NM_001081677.2); short protein forms I1483L, I1434L.
Identifiers: ClinVar variation 2693296 (VCV002693296.3), dbSNP rs2468055404, ClinGen allele CA349020905.
Genomic context (GRCh38, chr2:165,094,463, plus strand): 5'-TCTTGGATCCAAGTTTCTTCATTGCATTGTAATATTTTTTCTGTTCCTCTGTCATAAAGA[T>G]GTCTTGACCTCCAAAGTAAAGACATAGTATAAAACTGGTTACAATTCTGTGTTCCAATAG-3'
Protein context (NP_008853.3, residues 1473-1493): QQKKKFGGQD[Ile1483Leu]FMTEEQKKYY